The following is an entry in ClinVar:

NM_003489.4(NRIP1):c.1046C>G (p.Pro349Arg)

Gene: NRIP1 (nuclear receptor interacting protein 1; minus strand). Cytogenetic location: 21q11.2.
Variant type: single nucleotide variant.
Coding change: c.1046C>G on transcript NM_003489.4 (MANE Select); coding-DNA position 1046, C replaced by G.
Protein change: p.Pro349Arg; replaces proline 349 with arginine.
Molecular consequence: missense variant.
Genome position (GRCh38, 1-based): chr21:14,967,147, G>C on the plus strand (C>G on the coding strand, the complement: NRIP1 is on the minus strand). VCF-style: chr21-14967147-G-C. GRCh37 (hg19) VCF-style: chr21-16339468-G-C.
Other names: short protein forms P349R.
Identifiers: ClinVar variation 3202126 (VCV003202126.3), dbSNP rs778315586, ClinGen allele CA9981405.

ClinVar aggregate classification (germline): Uncertain significance. Review status: criteria provided, multiple submitters, no conflicts (2 of 4 stars). 2 submissions from 2 submitters: Uncertain significance (2). Last evaluated 2025-10-22.

Conditions:
Inborn genetic diseases. Identifiers: MedGen C0950123, MeSH D030342.

Allele frequency attached by ClinVar (database versions not stated): gnomAD exomes 0.00001; gnomAD 0.00001; ExAC 0.00007; TOPMed 0.00001.
gnomAD v4.1: 14 of 1,613,958 alleles (0.00087%); highest among the groups gnomAD compares: East Asian, 0.027%; no homozygotes.

Submissions (2):

Labcorp Genetics (formerly Invitae), Labcorp
Classification: Uncertain significance. Last evaluated: 2025-10-22. Review status: criteria provided, single submitter. Criteria: Invitae Variant Classification Sherloc (09022015). Collection method: clinical testing. Allele origin: germline.
Comment: This sequence change replaces proline, which is neutral and non-polar, with arginine, which is basic and polar, at codon 349 of the NRIP1 protein (p.Pro349Arg). This variant is present in population databases (rs778315586, gnomAD 0.09%), and has an allele count higher than expected for a pathogenic variant. This variant has not been reported in the literature in individuals affected with NRIP1-related conditions. ClinVar contains an entry for this variant (Variation ID: 3202126). An algorithm developed to predict the effect of missense changes on protein structure and function (PolyPhen-2) suggests that this variant is likely to be disruptive. In summary, the available evidence is currently insufficient to determine the role of this variant in disease. Therefore, it has been classified as a Variant of Uncertain Significance.

Ambry Genetics
Classification: Uncertain significance for Inborn genetic diseases. Last evaluated: 2024-02-05. Review status: criteria provided, single submitter. Criteria: Ambry Variant Classification Scheme 2023. Collection method: clinical testing. Allele origin: germline.